The following is an entry in ClinVar:

ClinVar aggregate classification (germline): Likely pathogenic (1 of 4 stars; one submission).

Conditions:
GNPTG-mucolipidosis. Also called: ML III GAMMA; ML IIIC; MUCOLIPIDOSIS III, COMPLEMENTATION GROUP C; MUCOLIPIDOSIS III, IRANIAN VARIANT FORM; MUCOLIPIDOSIS III, VARIANT FORM; Mucolipidosis type III gamma. Identifiers: Orphanet 423470, Orphanet 577, MedGen C1854896, MONDO:0009652, OMIM 252605.

Submission:

Natera, Inc.
Classification: Likely pathogenic for Mucolipidosis III gamma. Last evaluated: 2024-07-26. Review status: criteria provided, single submitter. Criteria: Natera Variant Classification Schema (03/2026). Collection method: clinical testing. Allele origin: germline.
Comment: The c.535del variant in GNPTG is a frameshift variant predicted to shift the reading frame beginning at codon 179 and leads to a stop codon 13 codons downstream. This variant is expected to result in nonsense mediated decay, truncation, or a dysfunctional protein product. This variant is rare in the general population with a frequency below the threshold expected for the associated phenotype(s). Given the available evidence, this variant is classified as Likely Pathogenic.

NM_032520.5(GNPTG):c.535del (p.Thr179fs)

Gene: GNPTG (N-acetylglucosamine-1-phosphate transferase subunit gamma; plus strand). Cytogenetic location: 16p13.3.
Variant type: Deletion.
Coding change: c.535del on transcript NM_032520.5 (MANE Select); coding-DNA position 535, one base deleted (A; older notation c.535delA).
Protein change: p.Thr179fs; shifts the reading frame from threonine 179.
Molecular consequence: frameshift variant.
Genome position (GRCh38, 1-based): chr16:1,362,460, A deleted; the last of 2 consecutive A bases (chr16:1,362,459-1,362,460); deleting either gives the same sequence. VCF-style (leftmost placement, unchanged base first): chr16-1362458-CA-C. GRCh37 (hg19) VCF-style: chr16-1412459-CA-C.
Other names: short protein forms T179fs.
Identifiers: ClinVar variation 4816340 (VCV004816340.1).
Genomic context (GRCh38, chr16:1,362,458, plus strand): 5'-GGCCAGGGTTGGGACATGGGGTGCAGCTGAGCCTGGCTTCTCTTGGGTCCTCAGTGTACC[CA>C]ACCCTGCCAGAGGCCCTGCAGCGGCAGTGGGACCAGGTAGAGCAGGACCTGGCCGATGAG-3'